The following is an entry in ClinVar:

ClinVar aggregate classification (germline): Uncertain significance (1 of 4 stars; one submission).

Conditions:
Myopathy, proximal, and ophthalmoplegia (CMYO6). Also called: INCLUSION BODY MYOPATHY 3, AUTOSOMAL DOMINANT; MYOPATHY WITH CONGENITAL JOINT CONTRACTURES, OPHTHALMOPLEGIA, AND RIMMED VACUOLES; CONGENITAL MYOPATHY 6 WITH OPHTHALMOPLEGIA. Identifiers: Orphanet 363677, Orphanet 79091, MedGen C1854106, MONDO:0011577, OMIM 605637.

Submission:

Labcorp Genetics (formerly Invitae), Labcorp
Classification: Uncertain significance for Myopathy, proximal, and ophthalmoplegia. Last evaluated: 2022-06-04. Review status: criteria provided, single submitter. Criteria: Invitae Variant Classification Sherloc (09022015). Collection method: clinical testing. Allele origin: germline.
Comment: ClinVar contains an entry for this variant (Variation ID: 662363). This variant has not been reported in the literature in individuals affected with MYH2-related conditions. This variant is not present in population databases (gnomAD no frequency). This sequence change replaces glycine, which is neutral and non-polar, with valine, which is neutral and non-polar, at codon 990 of the MYH2 protein (p.Gly990Val). Algorithms developed to predict the effect of missense changes on protein structure and function (SIFT, PolyPhen-2, Align-GVGD) all suggest that this variant is likely to be tolerated. In summary, the available evidence is currently insufficient to determine the role of this variant in disease. Therefore, it has been classified as a Variant of Uncertain Significance.

NM_017534.6(MYH2):c.2969G>T (p.Gly990Val)

Genes: MYH2 (myosin heavy chain 2; minus strand), MYHAS (myosin heavy chain gene cluster antisense RNA; plus strand). Cytogenetic location: 17p13.1.
Variant type: single nucleotide variant.
Coding change: c.2969G>T on transcript NM_017534.6 (MANE Select); coding-DNA position 2969, G replaced by T.
Protein change: p.Gly990Val; replaces glycine 990 with valine.
Molecular consequence: missense variant.
Genome position (GRCh38, 1-based): chr17:10,529,712, C>A on the plus strand (G>T on the coding strand, the complement: MYH2 is on the minus strand). VCF-style: chr17-10529712-C-A. GRCh37 (hg19) VCF-style: chr17-10433029-C-A.
Other names: c.2969G>T, p.Gly990Val (NM_001100112.2); short protein forms G990V.
Identifiers: ClinVar variation 662363 (VCV000662363.6), dbSNP rs1597451166, ClinGen allele CA398140698.